The following is an entry in ClinVar:

NM_001077350.3(NPRL3):c.922_923dup (p.Gln308fs)

Genes: HBA-LCR (alpha-globin locus control region; plus strand), NPRL3 (NPR3 like, GATOR1 complex subunit; minus strand). Cytogenetic location: 16p13.3.
Variant type: Duplication.
Coding change: c.922_923dup on transcript NM_001077350.3 (MANE Select); coding-DNA positions 922 to 923, 2 bases duplicated (CA; older notation c.922_923dupCA).
Protein change: p.Gln308fs; shifts the reading frame from glutamine 308.
Molecular consequence: frameshift variant.
Genome position (GRCh38, 1-based): chr16:98,146-98,147, TG duplicated on the plus strand (CA on the coding strand, the reverse complement: NPRL3 is on the minus strand). VCF-style (leftmost placement, unchanged base first): chr16-98145-C-CTG. GRCh37 (hg19) VCF-style: chr16-148143-C-CTG.
Other names: c.385_386dup, p.Gln129fs (NM_001039476.3); c.688_689dup, p.Gln230fs (NM_001243247.2); c.847_848dup, p.Gln283fs (NM_001243248.2, NM_001243249.2); c.922_923dupCA (NM_001077350.2); short protein forms Q283fs, Q308fs, Q230fs, Q129fs.
Identifiers: ClinVar variation 542798 (VCV000542798.9), dbSNP rs1555441032, ClinGen allele CA658798452.

ClinVar aggregate classification (germline): Pathogenic. Review status: criteria provided, multiple submitters, no conflicts (2 of 4 stars). 2 submissions from 2 submitters: Pathogenic (2). Last evaluated 2026-02-09.

Conditions:
Epilepsy, familial focal, with variable foci 3 (FFEVF3). Identifiers: MedGen C4310708, MONDO:0014925, OMIM 617118.
Inborn genetic diseases. Identifiers: MedGen C0950123, MeSH D030342.

Submissions (2):

Ambry Genetics
Classification: Pathogenic for Inborn genetic diseases. Last evaluated: 2026-02-09. Review status: criteria provided, single submitter. Criteria: Ambry Variant Classification Scheme 2023. Collection method: clinical testing. Allele origin: germline.
Comment: The c.922_923dupCA (p.Q308Hfs*106) alteration, located in exon 9 (coding exon 8) of the NPRL3 gene, consists of a duplication of CA at position 922, causing a translational frameshift with a predicted alternate stop codon after 106 amino acids. This variant is expected to result in loss of function by premature protein truncation or nonsense-mediated mRNA decay. This variant was not reported in population-based cohorts in the Genome Aggregation Database (gnomAD). This variant was reported in an individual with features consistent with NPRL3-related familial focal epilepsy with variable foci (Truty, 2019). Based on the available evidence, this alteration is classified as pathogenic.

Labcorp Genetics (formerly Invitae), Labcorp
Classification: Pathogenic for Epilepsy, familial focal, with variable foci 3. Last evaluated: 2020-12-06. Review status: criteria provided, single submitter. Criteria: Invitae Variant Classification Sherloc (09022015). Collection method: clinical testing. Allele origin: germline.
Comment: For these reasons, this variant has been classified as Pathogenic. This variant has not been reported in the literature in individuals with NPRL3-related conditions. ClinVar contains an entry for this variant (Variation ID: 542798). This variant is not present in population databases (ExAC no frequency). This sequence change creates a premature translational stop signal (p.Gln308Hisfs*106) in the NPRL3 gene. It is expected to result in an absent or disrupted protein product. Loss-of-function variants in NPRL3 are known to be pathogenic (PMID: 26285051, 26505888).

Literature cited by the submitters: PubMed 31440721 (cited by Ambry Genetics); PubMed 26285051 (cited by Labcorp Genetics (formerly Invitae), Labcorp); PubMed 26505888 (cited by Labcorp Genetics (formerly Invitae), Labcorp).